The following is an entry in ClinVar:

ClinVar aggregate classification (germline): Likely pathogenic (1 of 4 stars; one submission).

Conditions:
Central core myopathy (CMYO1A). Also called: CONGENITAL MYOPATHY 1A, AUTOSOMAL DOMINANT, WITH SUSCEPTIBILITY TO MALIGNANT HYPERTHERMIA; Central core disease; Myopathy, central fibrillar. Identifiers: Orphanet 597, MedGen C5830701, MONDO:0007294, OMIM 117000.

Submission:

Foundation for Research in Genetics and Endocrinology, FRIGE's Institute of Human Genetics
Classification: Likely pathogenic for Central core myopathy. Last evaluated: 2025-02-17. Review status: criteria provided, single submitter. Criteria: ACMG Guidelines, 2015. Collection method: clinical testing. Allele origin: germline. Inheritance: Autosomal dominant inheritance. Affected: yes. Observed: 1 heterozygote.
Comment: A heterozygous single base pair deletion in exon 66 of the RYR1 gene that results in a frameshift and premature truncation of the protein 87 amino acids downstream to codon 3234 (p.Asn3234LysfsTer87) was detected. This variant has not been reported in the 1000 genomes and gnomAD databases. The in-silico prediction of the variant is damaging by MutationTaster. In summary, the variant meets our criteria to be classified as likely pathogenic.

NM_000540.3(RYR1):c.9702del (p.Asn3234fs)

Gene: RYR1 (ryanodine receptor 1; plus strand). Cytogenetic location: 19q13.2.
Variant type: Deletion.
Coding change: c.9702del on transcript NM_000540.3 (MANE Select); coding-DNA position 9702, one base deleted (C; older notation c.9702delC).
Protein change: p.Asn3234fs; shifts the reading frame from asparagine 3234.
Molecular consequence: frameshift variant.
Genome position (GRCh38, 1-based): chr19:38,517,375, C deleted. VCF-style (leftmost placement, unchanged base first): chr19-38517374-AC-A. GRCh37 (hg19) VCF-style: chr19-39008014-AC-A.
Other names: p.Asn3234Lysfs*87; c.9702del, p.Asn3234fs (NM_001042723.2); short protein forms N3234fs.
Identifiers: ClinVar variation 3767289 (VCV003767289.2).
Genomic context (GRCh38, chr19:38,517,374, plus strand): 5'-GGGGGTGATGGCTTGACATTCCCTGCCCCCGTCCCTGTACCCCAGTCCTGGGGCTCCCCA[AC>A]AGTGTGGAGGAGATGTGTCCCGACATCCCGGTGCTGGAGCGGCTCATGGCAGACATTGGG-3'